The following is an entry in ClinVar:

NM_000124.4(ERCC6):c.2601G>T (p.Met867Ile)

Gene: ERCC6 (ERCC excision repair 6, chromatin remodeling factor; minus strand). Cytogenetic location: 10q11.23.
Variant type: single nucleotide variant.
Coding change: c.2601G>T on transcript NM_000124.4 (MANE Select); coding-DNA position 2601, G replaced by T.
Protein change: p.Met867Ile; replaces methionine 867 with isoleucine.
Molecular consequence: missense variant.
Genome position (GRCh38, 1-based): chr10:49,473,585, C>A on the plus strand (G>T on the coding strand, the complement: ERCC6 is on the minus strand). VCF-style: chr10-49473585-C-A. GRCh37 (hg19) VCF-style: chr10-50681631-C-A.
Other names: c.2601G>T, p.Met867Ile (NM_001346440.2); c.2601G>T (NM_000124.2); short protein forms M867I.
Identifiers: ClinVar variation 1468768 (VCV001468768.6), dbSNP rs761558075, ClinGen allele CA5495598.
Genomic context (GRCh38, chr10:49,473,585, plus strand): 5'-ACCATCCATCTTGAGATAGGTATACTTTTGGGCTCTAAGGAATACTTCAAGTATGTCCAG[C>A]ATCTGTTTGGAGGTGGGGGATAGGAGTTTGCAAAGCAAATACACATTCCCAGTGAGTGCT-3'
Protein context (NP_000115.1, residues 857-877): RVLLFSQSRQ[Met867Ile]LDILEVFLRA

ClinVar aggregate classification (germline): Uncertain significance. Review status: criteria provided, multiple submitters, no conflicts (2 of 4 stars). 2 submissions from 2 submitters: Uncertain significance (2). Last evaluated 2025-06-29.

Conditions:
Inborn genetic diseases. Identifiers: MedGen C0950123, MeSH D030342.

Allele frequency attached by ClinVar (database versions not stated): gnomAD exomes 0.00001 and 0.00005; gnomAD 0.00002; ExAC 0.00007; TOPMed 0.00007.
gnomAD v4.1: 15 of 1,584,070 alleles (0.00095%); highest among the groups gnomAD compares: Admixed American, 0.025%; no homozygotes.

Submissions (2):

Ambry Genetics
Classification: Uncertain significance for Inborn genetic diseases. Last evaluated: 2025-06-29. Review status: criteria provided, single submitter. Criteria: Ambry Variant Classification Scheme 2023. Collection method: clinical testing. Allele origin: germline.

Labcorp Genetics (formerly Invitae), Labcorp
Classification: Uncertain significance. Last evaluated: 2024-03-14. Review status: criteria provided, single submitter. Criteria: Invitae Variant Classification Sherloc (09022015). Collection method: clinical testing. Allele origin: germline.
Comment: This sequence change replaces methionine, which is neutral and non-polar, with isoleucine, which is neutral and non-polar, at codon 867 of the ERCC6 protein (p.Met867Ile). This variant is present in population databases (rs761558075, gnomAD 0.03%). This variant has not been reported in the literature in individuals affected with ERCC6-related conditions. ClinVar contains an entry for this variant (Variation ID: 1468768). An algorithm developed to predict the effect of missense changes on protein structure and function (PolyPhen-2) suggests that this variant is likely to be disruptive. In summary, the available evidence is currently insufficient to determine the role of this variant in disease. Therefore, it has been classified as a Variant of Uncertain Significance.